The following is an entry in ClinVar:

ClinVar aggregate classification (germline): Uncertain significance (1 of 4 stars; one submission).

gnomAD v4.1: 9 of 1,613,090 alleles (0.00056%); highest among the groups gnomAD compares: South Asian, 0.0011%; no homozygotes.

Submission:

Labcorp Genetics (formerly Invitae), Labcorp
Classification: Uncertain significance. Last evaluated: 2025-03-27. Review status: criteria provided, single submitter. Criteria: Invitae Variant Classification Sherloc (09022015). Collection method: clinical testing. Allele origin: germline.
Comment: This sequence change replaces arginine, which is basic and polar, with leucine, which is neutral and non-polar, at codon 151 of the RP1 protein (p.Arg151Leu). This variant is present in population databases (rs771997020, gnomAD 0.003%). This variant has not been reported in the literature in individuals affected with RP1-related conditions. An algorithm developed to predict the effect of missense changes on protein structure and function (PolyPhen-2) suggests that this variant is likely to be disruptive. In summary, the available evidence is currently insufficient to determine the role of this variant in disease. Therefore, it has been classified as a Variant of Uncertain Significance.

NM_006269.2(RP1):c.452G>T (p.Arg151Leu)

Gene: RP1 (RP1 axonemal microtubule associated; plus strand). Cytogenetic location: 8q12.1.
Variant type: single nucleotide variant.
Coding change: c.452G>T on transcript NM_006269.2 (MANE Select); coding-DNA position 452, G replaced by T.
Protein change: p.Arg151Leu; replaces arginine 151 with leucine.
Molecular consequence: missense variant.
Genome position (GRCh38, 1-based): chr8:54,621,418, G>T. VCF-style: chr8-54621418-G-T. GRCh37 (hg19) VCF-style: chr8-55533978-G-T.
Other names: c.452G>T, p.Arg151Leu (NM_001375654.1); short protein forms R151L.
Identifiers: ClinVar variation 4766486 (VCV004766486.1).
Genomic context (GRCh38, chr8:54,621,418, plus strand): 5'-GGGCCATTAGCGCGCACTCACCGCCCCACCCCGTAGCCGTCGCTGCTCCCGGCATGCCCC[G>T]CCCCCCACGGAGCCTAGTGGTCTTCAGGAATGGCGACCCGAAGACGAGGCGTGCGGTTCT-3'
Protein context (NP_006260.1, residues 141-161): PVAVAAPGMP[Arg151Leu]PPRSLVVFRN